The following is an entry in ClinVar:

NM_005219.5(DIAPH1):c.761A>G (p.Asn254Ser)

Gene: DIAPH1 (diaphanous related formin 1; minus strand). Cytogenetic location: 5q31.3.
Variant type: single nucleotide variant.
Coding change: c.761A>G on transcript NM_005219.5 (MANE Select); coding-DNA position 761, A replaced by G.
Protein change: p.Asn254Ser; replaces asparagine 254 with serine.
Molecular consequence: missense variant.
Genome position (GRCh38, 1-based): chr5:141,580,807, T>C on the plus strand (A>G on the coding strand, the complement: DIAPH1 is on the minus strand). VCF-style: chr5-141580807-T-C. GRCh37 (hg19) VCF-style: chr5-140960374-T-C.
Other names: c.734A>G, p.Asn245Ser (NM_001079812.3); c.761A>G, p.Asn254Ser (NM_001314007.2); short protein forms N245S, N254S.
Identifiers: ClinVar variation 2093590 (VCV002093590.4), dbSNP rs1399771527, ClinGen allele CA361536751.
Genomic context (GRCh38, chr5:141,580,807, plus strand): 5'-TCCTCTGGCTGCGGTAGAATACAAAGAGCAGAAAGCAGCTTAGCTGCATCAATCATCATG[T>C]TGGGAACAGCAGGATCCATGGCTCTGACCAGCAGTAGGATTCCTTCTTCTGTCTCCAACA-3'
Protein context (NP_005210.3, residues 244-264): LVRAMDPAVP[Asn254Ser]MMIDAAKLLS

ClinVar aggregate classification (germline): Uncertain significance (1 of 4 stars; one submission).

Conditions:
Progressive microcephaly-seizures-cortical blindness-developmental delay syndrome. Also called: Seizures, cortical blindness, and microcephaly syndrome. Identifiers: Orphanet 477814, MedGen C5567650, MONDO:0014714, OMIM 616632.
Autosomal dominant nonsyndromic hearing loss 1. Also called: DEAFNESS, AUTOSOMAL DOMINANT 1, WITH OR WITHOUT THROMBOCYTOPENIA; KONIGSMARK SYNDROME. Identifiers: Orphanet 90635, MedGen C1852282, MONDO:0007424, OMIM 124900.

Allele frequency attached by ClinVar (database versions not stated): gnomAD exomes below 0.00001; gnomAD 0.00001.
gnomAD v4.1: 3 of 1,614,078 alleles (0.00019%); highest among the groups gnomAD compares: South Asian, 0.0022%; no homozygotes.

Submission:

Labcorp Genetics (formerly Invitae), Labcorp
Classification: Uncertain significance for Progressive microcephaly-seizures-cortical blindness-developmental delay syndrome; Autosomal dominant nonsyndromic hearing loss 1. Last evaluated: 2022-02-05. Review status: criteria provided, single submitter. Criteria: Invitae Variant Classification Sherloc (09022015). Collection method: clinical testing. Allele origin: germline.
Comment: Algorithms developed to predict the effect of missense changes on protein structure and function output the following: SIFT: "Tolerated"; PolyPhen-2: "Not Available"; Align-GVGD: "Class C0". The serine amino acid residue is found in multiple mammalian species, which suggests that this missense change does not adversely affect protein function. This variant has not been reported in the literature in individuals affected with DIAPH1-related conditions. This variant is present in population databases (no rsID available, gnomAD 0.008%). This sequence change replaces asparagine, which is neutral and polar, with serine, which is neutral and polar, at codon 254 of the DIAPH1 protein (p.Asn254Ser). Algorithms developed to predict the effect of sequence changes on RNA splicing suggest that this variant may create or strengthen a splice site. In summary, the available evidence is currently insufficient to determine the role of this variant in disease. Therefore, it has been classified as a Variant of Uncertain Significance.